The following is an entry in ClinVar:

NM_006662.3(SRCAP):c.8156_8157delinsGA (p.Pro2719Arg)

Gene: SRCAP (Snf2 related CREBBP activator protein; plus strand). Cytogenetic location: 16p11.2.
Variant type: Indel.
Coding change: c.8156_8157delinsGA on transcript NM_006662.3 (MANE Select); coding-DNA positions 8156 to 8157, CT replaced by GA.
Protein change: p.Pro2719Arg; replaces proline 2719 with arginine.
Molecular consequence: missense variant.
Genome position (GRCh38, 1-based): chr16:30,738,196-30,738,197, CT replaced by GA. VCF-style: chr16-30738196-CT-GA. GRCh37 (hg19) VCF-style: chr16-30749517-CT-GA.
Other names: short protein forms P2719R.
Identifiers: ClinVar variation 3614665 (VCV003614665.2).

ClinVar aggregate classification (germline): Uncertain significance (1 of 4 stars; one submission).

Submission:

Labcorp Genetics (formerly Invitae), Labcorp
Classification: Uncertain significance. Last evaluated: 2024-02-24. Review status: criteria provided, single submitter. Criteria: Invitae Variant Classification Sherloc (09022015). Collection method: clinical testing. Allele origin: germline.
Comment: This sequence change replaces proline, which is neutral and non-polar, with arginine, which is basic and polar, at codon 2719 of the SRCAP protein (p.Pro2719Arg). Information on the frequency of this variant in the gnomAD database is not available, as this variant may be reported differently in the database. This variant has not been reported in the literature in individuals affected with SRCAP-related conditions. Experimental studies and prediction algorithms are not available or were not evaluated, and the functional significance of this variant is currently unknown. In summary, the available evidence is currently insufficient to determine the role of this variant in disease. Therefore, it has been classified as a Variant of Uncertain Significance.